The following is an entry in ClinVar:

NM_006662.3(SRCAP):c.3453G>A (p.Thr1151=)

Gene: SRCAP (Snf2 related CREBBP activator protein; plus strand). Cytogenetic location: 16p11.2.
Variant type: single nucleotide variant.
Coding change: c.3453G>A on transcript NM_006662.3 (MANE Select); coding-DNA position 3453, G replaced by A.
Protein change: p.Thr1151=; no amino-acid change (threonine 1151 retained).
Molecular consequence: synonymous variant.
Genome position (GRCh38, 1-based): chr16:30,721,388, G>A. VCF-style: chr16-30721388-G-A. GRCh37 (hg19) VCF-style: chr16-30732709-G-A.
Identifiers: ClinVar variation 727007 (VCV000727007.36), dbSNP rs752652939, ClinGen allele CA8011490.

ClinVar aggregate classification (germline): Likely benign. Review status: criteria provided, multiple submitters, no conflicts (2 of 4 stars). 4 submissions from 4 submitters: Likely benign (4). Last evaluated 2025-11-19.

Allele frequency attached by ClinVar (database versions not stated): gnomAD exomes 0.00002 and 0.00008; gnomAD 0.00003 and 0.00004; TOPMed 0.00006; ExAC 0.00009.
gnomAD v4.1: 49 of 1,613,864 alleles (0.003%); highest among the groups gnomAD compares: East Asian, 0.022%; no homozygotes.

Submissions (5):

Labcorp Genetics (formerly Invitae), Labcorp
Classification: Likely benign. Last evaluated: 2025-11-19. Review status: criteria provided, single submitter. Criteria: Invitae Variant Classification Sherloc (09022015). Collection method: clinical testing. Allele origin: germline.

CeGaT Center for Human Genetics Tuebingen
Classification: Likely benign. Last evaluated: 2025-05-01. Review status: criteria provided, single submitter. Criteria: CeGaT Center For Human Genetics Tuebingen Variant Classification Criteria Version 2. Collection method: clinical testing. Allele origin: germline. Affected: yes. Observed: 2 variant alleles.
Comment: SRCAP: BP4, BP7

Women's Health and Genetics/Laboratory Corporation of America, LabCorp
Classification: Likely benign. Last evaluated: 2025-04-28. Review status: criteria provided, single submitter. Criteria: LabCorp Variant Classification Summary - May 2015. Collection method: clinical testing. Allele origin: germline.

Blueprint Genetics
Classification: Likely benign. Last evaluated: 2024-11-20. Review status: criteria provided, single submitter. Criteria: ACMG Guidelines, 2015. Collection method: clinical testing. Allele origin: germline.

Dr. Peter K. Rogan Lab, Western University
No classification provided (evidence only). Condition: Malignant tumor of esophagus. Review status: no classification provided. Collection method: in vitro. Allele origin: not applicable. Functional consequence: retained intron. Not counted in ClinVar's aggregate classification.